The following is an entry in ClinVar:

ClinVar aggregate classification (germline): Uncertain significance (1 of 4 stars; one submission).

Conditions:
Tuberous sclerosis 2 (TSC2). Identifiers: Orphanet 805, MedGen C1860707, MONDO:0013199, OMIM 613254.

Submission:

Labcorp Genetics (formerly Invitae), Labcorp
Classification: Uncertain significance for Tuberous sclerosis 2. Last evaluated: 2022-10-03. Review status: criteria provided, single submitter. Criteria: Invitae Variant Classification Sherloc (09022015). Collection method: clinical testing. Allele origin: unknown.
Comment: This variant results in a copy number gain of the genomic region encompassing exon(s) 3-42 of the TSC2 gene. This region includes the termination codon of the gene. This copy number gain extends beyond the assayed region for this gene and therefore may encompass additional genes. As the precise location of this event is unknown, it may be in tandem or it may be located elsewhere in the genome. In summary, the available evidence is currently insufficient to determine the role of this variant in disease. Therefore, it has been classified as a Variant of Uncertain Significance. Experimental studies and prediction algorithms are not available or were not evaluated, and the functional significance of this variant is currently unknown. This variant has not been reported in the literature in individuals affected with TSC2-related conditions.

NC_000016.9:g.(?_2100391)_(2143097_?)dup

Genes: MIR1225 (microRNA 1225; minus strand), PKD1 (polycystin 1, transient receptor potential channel interacting; minus strand), TSC2 (TSC complex subunit 2; plus strand). Cytogenetic location: 16p13.3.
Variant type: Duplication.
Identifiers: ClinVar variation 3243469 (VCV003243469.1).